The following is an entry in ClinVar:

NM_000152.5(GAA):c.1396del (p.Val466fs)

Gene: GAA (alpha glucosidase; plus strand). Cytogenetic location: 17q25.3.
Variant type: Deletion.
Coding change: c.1396del on transcript NM_000152.5 (MANE Select); coding-DNA position 1396, one base deleted (G; older notation c.1396delG).
Protein change: p.Val466fs; shifts the reading frame from valine 466.
Molecular consequence: frameshift variant.
Genome position (GRCh38, 1-based): chr17:80,110,014, G deleted; the last of 6 consecutive G bases (chr17:80,110,009-80,110,014); deleting any one gives the same sequence. VCF-style (leftmost placement, unchanged base first): chr17-80110008-AG-A. GRCh37 (hg19) VCF-style: chr17-78083807-AG-A.
Other names: NM_000152.5(GAA):c.1396del; p.Val466fs; c.1396del, p.Val466fs (NM_001079803.3, NM_001079804.3); short protein forms V466fs.
Identifiers: ClinVar variation 933520 (VCV000933520.13), dbSNP rs1273392818, ClinGen allele CA658795256.
Genomic context (GRCh38, chr17:80,110,008, plus strand): 5'-CCTGCCATCAGCAGCTCGGGCCCTGCCGGGAGCTACAGGCCCTACGACGAGGGTCTGCGG[AG>A]GGGGGTTTTCATCACCAACGAGACCGGCCAGCCGCTGATTGGGAAGGTAGGGCGAGGGTC-3'

ClinVar aggregate classification (germline): Pathogenic. Review status: reviewed by expert panel (3 of 4 stars). 4 submissions from 4 submitters: Pathogenic (1). 3 of the submissions do not count toward it. Last evaluated 2022-01-04.

Conditions:
Glycogen storage disease, type II (IOPD). Also called: Glycogen storage disease type 2; Acid maltase deficiency disease; Aglucosidase alfa; Deficiency of alpha-glucosidase; Deficiency of lysosomal alpha-glucosidase; Glucosidase acid-1,4-alpha deficiency. Identifiers: Orphanet 365, MedGen C0017921, MONDO:0009290, OMIM 232300.

Submissions (4):

ClinGen Lysosomal Storage Disorder Variant Curation Expert Panel
Classification: Pathogenic for Glycogen storage disease, type II. Last evaluated: 2022-01-04. Review status: reviewed by expert panel. Criteria: clingen_lsd_acmg_specifications_v2-1. Collection method: curation. Allele origin: germline. Inheritance: Autosomal recessive inheritance.
Comment: The NM_000152.5(GAA):c.1396del (p.Val466PhefsTer11) variant in GAA is a frameshift variant predicted to cause a premature stop codon in biologically-relevant-exon 9/20, leading to nonsense mediated decay in a gene in which loss-of-function is an established disease mechanism (PVS1). Three of these probands are compound heterozygous for the variant and a pathogenic variant in GAA, phase unknown; either c.-32-13T>G (PMID 25786784), c.2238G>C (p.Trp746Cys) (PMID 25526786), or c.1705dupT (PMID 23601496) Another proband is compound heterozygous for the variant and c.784G>A (p.Gln262Lys) (PMID 18285536); the allelic data from this patient was used in the assessment of p.Gln262Lys and is not included here to avoid circular logic (PM3). The variant is absent in gnomAD v2.1.1. (PM2_Supporting). There is no ClinVar entry for this variant. In summary, this variant meets the criteria to be classified as pathogenic for Pompe disease. GAA-specific ACMG/AMP criteria met, as specified by the ClinGen LSD VCEP (Specifications Version 2): PVS1, PM3, PP4_Moderate, PM2_Supporting.

Genomenon, Inc
Classification: Pathogenic for Glycogen storage disease, type II. Last evaluated: 2026-07-01. Review status: criteria provided, single submitter. Criteria: Genomenon Sequence Variant Interpretation Standards - Updated. Collection method: curation. Allele origin: germline. Affected: yes. Not counted in ClinVar's aggregate classification.
Comment: GAA p.Val466PhefsTer11 (c.1396del) is a frameshift variant that is predicted to introduce a premature termination codon and result in a truncated or absent protein product. This variant has been observed in at least one proband with a GAA-related disorder (PMID:18285536;23601496). It is absent or not present at a significant frequency in gnomAD. In conclusion, we classify GAA p.Val466PhefsTer11 (c.1396del) as a pathogenic variant.

Myriad Genetics, Inc.
Classification: Pathogenic for Glycogen storage disease, type II. Last evaluated: 2025-03-31. Review status: criteria provided, single submitter. Criteria: Myriad Autosomal Dominant, Autosomal Recessive and X-Linked Classification Criteria (2023). Collection method: clinical testing. Allele origin: unknown. Not counted in ClinVar's aggregate classification.
Comment: NM_000152.3(GAA):c.1396delG(V466Ffs*11) is a frameshift variant classified as pathogenic in the context of Pompe disease. V466Ffs*11 has been observed in cases with relevant disease (PMID: 18285536, 23601496, 25786784). Relevant functional assessments of this variant are not available in the literature. V466Ffs*11 has not been observed in referenced population frequency databases. In summary, NM_000152.3(GAA):c.1396delG(V466Ffs*11) is a frameshift variant in a gene where loss of function is a known mechanism of disease, is predicted to disrupt protein function, and has been observed more frequently in cases with the relevant disease than in healthy populations. Please note: this variant was assessed in the context of healthy population screening.

Labcorp Genetics (formerly Invitae), Labcorp
Classification: Pathogenic for Glycogen storage disease, type II. Last evaluated: 2019-09-15. Review status: criteria provided, single submitter. Criteria: Invitae Variant Classification Sherloc (09022015). Collection method: clinical testing. Allele origin: germline. Not counted in ClinVar's aggregate classification.
Comment: For these reasons, this variant has been classified as Pathogenic. Loss-of-function variants in GAA are known to be pathogenic (PMID: 18425781, 22252923). This variant has been observed in an individual affected with glycogen storage disease 2 (PMID: 18285536). This variant is not present in population databases (ExAC no frequency). This sequence change creates a premature translational stop signal (p.Val466Phefs*11) in the GAA gene. It is expected to result in an absent or disrupted protein product.

Literature cited by the submitters: PubMed 18285536 (cited by 3 submitters); PubMed 23601496 (cited by Genomenon, Inc and Myriad Genetics, Inc.); PubMed 25786784 (cited by Myriad Genetics, Inc.); PubMed 18425781 (cited by Labcorp Genetics (formerly Invitae), Labcorp); PubMed 22252923 (cited by Labcorp Genetics (formerly Invitae), Labcorp).